The following is an entry in ClinVar:

ClinVar aggregate classification (germline): Uncertain significance (1 of 4 stars; one submission).

Conditions:
Wiskott-Aldrich syndrome 2 (WAS2). Also called: WIPF1 DEFICIENCY. Identifiers: Orphanet 906, MedGen C3281001, MONDO:0013779, OMIM 614493.

Allele frequency attached by ClinVar (database versions not stated): gnomAD exomes 0.00001 and 0.00002; ExAC 0.00004; gnomAD 0.00008 and 0.00009; TOPMed 0.00010.
gnomAD v4.1: 24 of 1,582,014 alleles (0.0015%); highest among the groups gnomAD compares: African/African-American, 0.03%; no homozygotes.

Submission:

Labcorp Genetics (formerly Invitae), Labcorp
Classification: Uncertain significance for Wiskott-Aldrich syndrome 2. Last evaluated: 2021-08-14. Review status: criteria provided, single submitter. Criteria: Invitae Variant Classification Sherloc (09022015). Collection method: clinical testing. Allele origin: germline.
Comment: This sequence change replaces proline with leucine at codon 286 of the WIPF1 protein (p.Pro286Leu). The proline residue is highly conserved and there is a moderate physicochemical difference between proline and leucine. This variant is present in population databases (rs779235427, ExAC 0.04%). This variant has not been reported in the literature in individuals affected with WIPF1-related conditions. Algorithms developed to predict the effect of missense changes on protein structure and function are either unavailable or do not agree on the potential impact of this missense change (SIFT: "Not Available"; PolyPhen-2: "Probably Damaging"; Align-GVGD: "Not Available"). In summary, the available evidence is currently insufficient to determine the role of this variant in disease. Therefore, it has been classified as a Variant of Uncertain Significance.

NM_001375834.1(WIPF1):c.857C>T (p.Pro286Leu)

Gene: WIPF1 (WAS/WASL interacting protein family member 1; minus strand). Cytogenetic location: 2q31.1.
Variant type: single nucleotide variant.
Coding change: c.857C>T on transcript NM_001375834.1 (MANE Select); coding-DNA position 857, C replaced by T.
Protein change: p.Pro286Leu; replaces proline 286 with leucine.
Molecular consequence: missense variant.
Genome position (GRCh38, 1-based): chr2:174,571,948, G>A on the plus strand (C>T on the coding strand, the complement: WIPF1 is on the minus strand). VCF-style: chr2-174571948-G-A. GRCh37 (hg19) VCF-style: chr2-175436676-G-A.
Other names: c.857C>T, p.Pro286Leu (NM_001077269.1, NM_001375832.1, NM_001375833.1 and 5 more transcripts); c.479C>T, p.Pro160Leu (NM_001375839.1); short protein forms P160L, P286L.
Identifiers: ClinVar variation 1426072 (VCV001426072.5), dbSNP rs779235427, ClinGen allele CA1974048.
Genomic context (GRCh38, chr2:174,571,948, plus strand): 5'-GCCTGTGAGGAGGCCGAAGGCCGCGGAGTGGAAGGCACTGGAGGCTTGTTGTTCTGAGGA[G>A]GAGGAGGGGGAACCGCTTCCCTGTGGATGGAGGGCCTGTTGCCCACTGGAGGAGGTGGTG-3'
Protein context (NP_001362763.1, residues 276-296): SIHREAVPPP[Pro286Leu]PQNNKPPVPS